The following is an entry in ClinVar:

NM_144687.4(NLRP12):c.1982A>C (p.Gln661Pro)

Gene: NLRP12 (NLR family pyrin domain containing 12; minus strand). Cytogenetic location: 19q13.42.
Variant type: single nucleotide variant.
Coding change: c.1982A>C on transcript NM_144687.4 (MANE Select); coding-DNA position 1982, A replaced by C.
Protein change: p.Gln661Pro; replaces glutamine 661 with proline.
Molecular consequence: missense variant.
Genome position (GRCh38, 1-based): chr19:53,809,677, T>G on the plus strand (A>C on the coding strand, the complement: NLRP12 is on the minus strand). VCF-style: chr19-53809677-T-G. GRCh37 (hg19) VCF-style: chr19-54312931-T-G.
Other names: c.1982A>C, p.Gln661Pro (NM_001277126.2, NM_001277129.1); short protein forms Q661P.
Identifiers: ClinVar variation 536926 (VCV000536926.8), dbSNP rs201726924, ClinGen allele CA9639300.

ClinVar aggregate classification (germline): Conflicting classifications of pathogenicity. Review status: criteria provided, conflicting classifications (1 of 4 stars). 3 submissions from 3 submitters: Uncertain significance (2); Likely benign (1). Last evaluated 2025-03-18.

Conditions:
Familial cold autoinflammatory syndrome 2 (FCAS2). Identifiers: Orphanet 247868, MedGen C2673198, MONDO:0012724, OMIM 611762.

Allele frequency attached by ClinVar (database versions not stated): TOPMed 0.00002; gnomAD exomes 0.00004 and 0.00005; ExAC 0.00005; gnomAD 0.00005.
gnomAD v4.1: 74 of 1,613,968 alleles (0.0046%); highest among the groups gnomAD compares: Non-Finnish European, 0.0057%; 1 homozygote.

Submissions (3):

Labcorp Genetics (formerly Invitae), Labcorp
Classification: Uncertain significance for Familial cold autoinflammatory syndrome 2. Last evaluated: 2025-03-18. Review status: criteria provided, single submitter. Criteria: Invitae Variant Classification Sherloc (09022015). Collection method: clinical testing. Allele origin: germline.
Comment: This sequence change replaces glutamine, which is neutral and polar, with proline, which is neutral and non-polar, at codon 661 of the NLRP12 protein (p.Gln661Pro). This variant is present in population databases (rs201726924, gnomAD 0.008%). This variant has not been reported in the literature in individuals affected with NLRP12-related conditions. ClinVar contains an entry for this variant (Variation ID: 536926). Invitae Evidence Modeling of protein sequence and biophysical properties (such as structural, functional, and spatial information, amino acid conservation, physicochemical variation, residue mobility, and thermodynamic stability) indicates that this missense variant is not expected to disrupt NLRP12 protein function with a negative predictive value of 80%. In summary, the available evidence is currently insufficient to determine the role of this variant in disease. Therefore, it has been classified as a Variant of Uncertain Significance.

Fulgent Genetics
Classification: Uncertain significance for Familial cold autoinflammatory syndrome 2. Last evaluated: 2024-03-05. Review status: criteria provided, single submitter. Criteria: ACMG Guidelines, 2015. Collection method: clinical testing. Allele origin: germline.

Blueprint Genetics
Classification: Likely benign. Last evaluated: 2022-06-23. Review status: criteria provided, single submitter. Criteria: ACMG Guidelines, 2015. Collection method: clinical testing. Allele origin: germline.